The following is an entry in ClinVar:

NM_000426.4(LAMA2):c.861C>A (p.Cys287Ter)

Gene: LAMA2 (laminin subunit alpha 2; plus strand). Cytogenetic location: 6q22.33.
Variant type: single nucleotide variant.
Coding change: c.861C>A on transcript NM_000426.4 (MANE Select); coding-DNA position 861, C replaced by A.
Protein change: p.Cys287Ter; replaces cysteine 287 with a stop codon.
Molecular consequence: nonsense.
Genome position (GRCh38, 1-based): chr6:129,147,000, C>A. VCF-style: chr6-129147000-C-A. GRCh37 (hg19) VCF-style: chr6-129468145-C-A.
Other names: c.861C>A, p.Cys287Ter (NM_001079823.2); short protein forms C287*.
Identifiers: ClinVar variation 2676224 (VCV002676224.3), dbSNP rs1583133314, ClinGen allele CA365606355.

ClinVar aggregate classification (germline): Pathogenic/Likely pathogenic. Review status: criteria provided, multiple submitters, no conflicts (2 of 4 stars). 2 submissions from 2 submitters: Pathogenic (1); Likely pathogenic (1). Last evaluated 2024-09-24.

Conditions:
LAMA2-related muscular dystrophy (LAMA2-RD). Also called: Laminin alpha 2-related dystrophy. Identifiers: MedGen C5679788, MONDO:0100228.
Merosin deficient congenital muscular dystrophy (MDC1A). Also called: Congenital merosin-deficient muscular dystrophy 1A; Congenital Muscular Dystrophy Type 1A (MDC1A). Identifiers: Orphanet 258, MedGen C1263858, MONDO:0011925, OMIM 607855.

Submissions (2):

Labcorp Genetics (formerly Invitae), Labcorp
Classification: Pathogenic for LAMA2-related muscular dystrophy. Last evaluated: 2024-09-24. Review status: criteria provided, single submitter. Criteria: Invitae Variant Classification Sherloc (09022015). Collection method: clinical testing. Allele origin: germline.
Comment: This sequence change creates a premature translational stop signal (p.Cys287*) in the LAMA2 gene. It is expected to result in an absent or disrupted protein product. Loss-of-function variants in LAMA2 are known to be pathogenic (PMID: 18700894, 32904964). This variant is not present in population databases (gnomAD no frequency). This variant has not been reported in the literature in individuals affected with LAMA2-related conditions. For these reasons, this variant has been classified as Pathogenic.

Baylor Genetics
Classification: Likely pathogenic for Merosin deficient congenital muscular dystrophy. Last evaluated: 2023-10-18. Review status: criteria provided, single submitter. Criteria: ACMG Guidelines, 2015. Collection method: clinical testing. Allele origin: unknown.

Literature cited by the submitters: PubMed 18700894 (cited by Labcorp Genetics (formerly Invitae), Labcorp); PubMed 32904964 (cited by Labcorp Genetics (formerly Invitae), Labcorp).